The following is an entry in ClinVar:

NM_001035.3(RYR2):c.12077T>G (p.Leu4026Trp)

Gene: RYR2 (ryanodine receptor 2; plus strand). Cytogenetic location: 1q43.
Variant type: single nucleotide variant.
Coding change: c.12077T>G on transcript NM_001035.3 (MANE Select); coding-DNA position 12077, T replaced by G.
Protein change: p.Leu4026Trp; replaces leucine 4026 with tryptophan.
Molecular consequence: missense variant.
Genome position (GRCh38, 1-based): chr1:237,783,789, T>G. VCF-style: chr1-237783789-T-G. GRCh37 (hg19) VCF-style: chr1-237947089-T-G.
Other names: short protein forms L4026W.
Identifiers: ClinVar variation 201321 (VCV000201321.6), dbSNP rs750259830, ClinGen allele CA007331.

ClinVar aggregate classification (germline): Uncertain significance. Review status: criteria provided, multiple submitters, no conflicts (2 of 4 stars). 2 submissions from 2 submitters: Uncertain significance (2). Last evaluated 2023-05-16.

Conditions:
Catecholaminergic polymorphic ventricular tachycardia (CVPT). Also called: Catecholamine-induced polymorphic ventricular tachycardia. Identifiers: Orphanet 3286, MedGen C5574922, MONDO:0017990.
Cardiomyopathy (CMYO). Also called: Cardiomyopathies. Identifiers: Orphanet 167848, MedGen C0878544, MONDO:0004994, HP:0001638. Inheritance: Various modes of inheritance.

Allele frequency attached by ClinVar (database versions not stated): gnomAD exomes below 0.00001 and 0.00001; ExAC 0.00001.
gnomAD v4.1: 19 of 1,613,464 alleles (0.0012%); highest among the groups gnomAD compares: Non-Finnish European, 0.0016%; no homozygotes.

Submissions (2):

All of Us Research Program, National Institutes of Health
Classification: Uncertain significance for Catecholaminergic polymorphic ventricular tachycardia. Last evaluated: 2023-05-16. Review status: criteria provided, single submitter. Criteria: ACMG Guidelines, 2015. Collection method: clinical testing. Allele origin: germline. Inheritance: Autosomal dominant inheritance. Observed: 2 variant alleles, 2 heterozygotes.
Comment: This missense variant replaces leucine with tryptophan at codon 4026 of the RYR2 protein. Computational prediction tool suggests that this variant may have deleterious impact on protein structure and function (internally defined REVEL score threshold >=0.7, PMID: 27666373). Splice site prediction tools suggest that this variant may not impact RNA splicing. To our knowledge, functional studies have not been performed for this variant. This variant has not been reported in individuals affected with cardiovascular disorders in the literature. This variant has been identified in 1/247742 chromosomes in the general population by the Genome Aggregation Database (gnomAD). The available evidence is insufficient to determine the role of this variant in disease conclusively. Therefore, this variant is classified as a Variant of Uncertain Significance.

This study involves interpretation of variants in research participants for the purpose of population health screening. Participant phenotype was not available at the time of variant classification. Additional details can be found in publication PMID: 35346344, PMCID: PMC8962531

Color Diagnostics, LLC DBA Color Health
Classification: Uncertain significance for Cardiomyopathy. Last evaluated: 2023-05-10. Review status: criteria provided, single submitter. Criteria: ACMG Guidelines, 2015. Collection method: clinical testing. Allele origin: germline.
Comment: This variant is located in the RYR2 protein. Computational prediction suggests that this variant may have deleterious impact on protein structure and function (internally defined REVEL score threshold >= 0.7, PMID: 27666373). To our knowledge, functional studies have not been reported for this variant. This variant has not been reported in individuals affected with RYR2-related disorders in the literature. This variant has been identified in 1/247742 chromosomes in the general population by the Genome Aggregation Database (gnomAD). The available evidence is insufficient to determine the role of this variant in disease conclusively. Therefore, this variant is classified as a Variant of Uncertain Significance.